The following is an entry in ClinVar:

ClinVar aggregate classification (germline): Conflicting classifications of pathogenicity. Review status: criteria provided, conflicting classifications (1 of 4 stars). 4 submissions from 4 submitters: Uncertain significance (3); Likely benign (1). Last evaluated 2025-10-17.

Conditions:
Hereditary cancer-predisposing syndrome. Also called: Tumor predisposition; Hereditary neoplastic syndrome; Neoplastic Syndromes, Hereditary; Hereditary Cancer Syndrome. Identifiers: Orphanet 140162, MedGen C0027672, MeSH D009386, MONDO:0015356.
Cardiovascular phenotype. Identifiers: MedGen CN230736.
Juvenile myelomonocytic leukemia (JMML). Also called: LEUKEMIA, JUVENILE MYELOMONOCYTIC, SOMATIC. Identifiers: Orphanet 86834, MedGen C0349639, MONDO:0011908, OMIM 607785, HP:0012209.
Neurofibromatosis, type 1 (NF1). Also called: Peripheral type neurofibromatosis; VON RECKLINGHAUSEN DISEASE; Neurofibromatosis, type I; NEUROFIBROMATOSIS, TYPE I, SOMATIC. Identifiers: Orphanet 636, MedGen C0027831, MONDO:0018975, OMIM 162200. Disease mechanism: loss of function.

Allele frequency attached by ClinVar (database versions not stated): gnomAD exomes below 0.00001; TOPMed below 0.00001; ExAC 0.00001; gnomAD 0.00001; ESP Exome Variant Server 0.00008.
gnomAD v4.1: 1 of 1,614,032 alleles (0.000062%); highest among the groups gnomAD compares: African/African-American, 0.0013%; no homozygotes.

Submissions (4):

Ambry Genetics
Classification: Uncertain significance for Cardiovascular phenotype; Hereditary cancer-predisposing syndrome. Last evaluated: 2025-10-17. Review status: criteria provided, single submitter. Criteria: Ambry Variant Classification Scheme 2023. Collection method: clinical testing. Allele origin: germline.
Comment: The p.A1798T variant (also known as c.5392G>A), located in coding exon 37 of the NF1 gene, results from a G to A substitution at nucleotide position 5392. The alanine at codon 1798 is replaced by threonine, an amino acid with similar properties. This amino acid position is conserved. In addition, the in silico prediction for this alteration is inconclusive. Based on the available evidence, the clinical significance of this variant remains unclear.

Labcorp Genetics (formerly Invitae), Labcorp
Classification: Likely benign for Neurofibromatosis, type 1. Last evaluated: 2025-06-17. Review status: criteria provided, single submitter. Criteria: Invitae Variant Classification Sherloc (09022015). Collection method: clinical testing. Allele origin: germline.

Baylor Genetics
Classification: Uncertain significance for Juvenile myelomonocytic leukemia. Last evaluated: 2023-11-14. Review status: criteria provided, single submitter. Criteria: ACMG Guidelines, 2015. Collection method: clinical testing. Allele origin: unknown.

Quest Diagnostics Nichols Institute San Juan Capistrano
Classification: Uncertain significance. Last evaluated: 2023-10-25. Review status: criteria provided, single submitter. Criteria: Quest Diagnostics criteria. Collection method: clinical testing. Allele origin: unknown.
Comment: The NF1 c.5392G>A (p.Ala1798Thr) variant has not been reported in individuals with NF1-related conditions in the published literature. The frequency of this variant in the general population, 0.000004 (1/251384 chromosomes (Genome Aggregation Database)), is uninformative in the assessment of its pathogenicity. Analysis of this variant using bioinformatics tools for the prediction of the effect of amino acid changes on protein structure and function yielded conflicting predictions that this variant is deleterious or benign. Based on the available information, we are unable to determine the clinical significance of this variant.

NM_001042492.3(NF1):c.5455G>A (p.Ala1819Thr)

Gene: NF1 (neurofibromin 1; plus strand). Cytogenetic location: 17q11.2.
Variant type: single nucleotide variant.
Coding change: c.5455G>A on transcript NM_001042492.3 (MANE Select); coding-DNA position 5455, G replaced by A.
Protein change: p.Ala1819Thr; replaces alanine 1819 with threonine.
Molecular consequence: missense variant.
Genome position (GRCh38, 1-based): chr17:31,327,685, G>A. VCF-style: chr17-31327685-G-A. GRCh37 (hg19) VCF-style: chr17-29654703-G-A.
Other names: c.5392G>A, p.Ala1798Thr (NM_000267.4); short protein forms A1798T, A1819T.
Identifiers: ClinVar variation 940023 (VCV000940023.10), dbSNP rs368998534, ClinGen allele CA8487181.